The following is an entry in ClinVar:

ClinVar aggregate classification (germline): Pathogenic (1 of 4 stars; one submission).

Conditions:
Autosomal recessive nonsyndromic hearing loss 3. Also called: NEUROSENSORY NONSYNDROMIC RECESSIVE DEAFNESS 3. Identifiers: Orphanet 90636, MedGen C1838263, MONDO:0010860, OMIM 600316.

Submission:

Institute of Rare Diseases, West China Hospital, Sichuan University
Classification: Pathogenic for Autosomal recessive nonsyndromic hearing loss 3. Last evaluated: 2025-01-09. Review status: criteria provided, single submitter. Criteria: ClinGen HL ACMG Specifications v1. Collection method: research. Allele origin: germline. Affected: yes.
Comment: PVS1;PM3;PM2_Supporting

NM_016239.4(MYO15A):c.8788+2T>C

Gene: MYO15A (myosin XVA; plus strand). Cytogenetic location: 17p11.2.
Variant type: single nucleotide variant.
Coding change: c.8788+2T>C on transcript NM_016239.4 (MANE Select); the canonical splice donor site of the intron after coding-DNA position 8788, T replaced by C.
Molecular consequence: splice donor variant.
Genome position (GRCh38, 1-based): chr17:18,157,232, T>C. VCF-style: chr17-18157232-T-C. GRCh37 (hg19) VCF-style: chr17-18060546-T-C.
Identifiers: ClinVar variation 3601409 (VCV003601409.1).